The following is an entry in ClinVar:

NM_001291303.3(FAT4):c.13655G>A (p.Gly4552Glu)

Gene: FAT4 (FAT atypical cadherin 4; plus strand). Cytogenetic location: 4q28.1.
Variant type: single nucleotide variant.
Coding change: c.13655G>A on transcript NM_001291303.3 (MANE Select); coding-DNA position 13655, G replaced by A.
Protein change: p.Gly4552Glu; replaces glycine 4552 with glutamic acid.
Molecular consequence: missense variant.
Genome position (GRCh38, 1-based): chr4:125,490,471, G>A. VCF-style: chr4-125490471-G-A. GRCh37 (hg19) VCF-style: chr4-126411626-G-A.
Other names: c.13652G>A, p.Gly4551Glu (NM_001291285.3); c.13649G>A, p.Gly4550Glu (NM_024582.6); short protein forms G4551E, G4550E, G4552E.
Identifiers: ClinVar variation 3676079 (VCV003676079.1).

ClinVar aggregate classification (germline): Uncertain significance (1 of 4 stars; one submission).

Submission:

Labcorp Genetics (formerly Invitae), Labcorp
Classification: Uncertain significance. Last evaluated: 2024-04-22. Review status: criteria provided, single submitter. Criteria: Invitae Variant Classification Sherloc (09022015). Collection method: clinical testing. Allele origin: germline.
Comment: This sequence change replaces glycine, which is neutral and non-polar, with glutamic acid, which is acidic and polar, at codon 4550 of the FAT4 protein (p.Gly4550Glu). This variant is present in population databases (rs754599814, gnomAD 0.0009%). This variant has not been reported in the literature in individuals affected with FAT4-related conditions. Advanced modeling of protein sequence and biophysical properties (such as structural, functional, and spatial information, amino acid conservation, physicochemical variation, residue mobility, and thermodynamic stability) performed at Invitae indicates that this missense variant is not expected to disrupt FAT4 protein function with a negative predictive value of 95%. In summary, the available evidence is currently insufficient to determine the role of this variant in disease. Therefore, it has been classified as a Variant of Uncertain Significance.